The following is an entry in ClinVar:

NM_024426.6(WT1):c.1104A>T (p.Arg368Ser)

Gene: WT1 (WT1 transcription factor; minus strand). Cytogenetic location: 11p13.
Variant type: single nucleotide variant.
Coding change: c.1104A>T on transcript NM_024426.6 (MANE Select); coding-DNA position 1104, A replaced by T.
Protein change: p.Arg368Ser; replaces arginine 368 with serine.
Molecular consequence: missense variant. On other transcripts: 5 prime UTR variant (1), non-coding transcript variant (1).
Genome position (GRCh38, 1-based): chr11:32,399,957, T>A on the plus strand (A>T on the coding strand, the complement: WT1 is on the minus strand). VCF-style: chr11-32399957-T-A. GRCh37 (hg19) VCF-style: chr11-32421503-T-A.
Other names: c.1053A>T, p.Arg351Ser (NM_000378.6, NM_001407045.1, NM_001407048.1 and 1 more transcripts); c.453A>T, p.Arg151Ser (NM_001198551.2); c.402A>T, p.Arg134Ser (NM_001198552.2); c.-85A>T (NM_001367854.1); c.1098A>T, p.Arg366Ser (NM_001407044.1); c.1104A>T, p.Arg368Ser (NM_001407046.1, NM_024424.5); c.981A>T, p.Arg327Ser (NM_001407047.1); c.930A>T, p.Arg310Ser (NM_001407050.1); and 2 more; short protein forms R134S, R351S, R151S, R368S, R114S, R366S, R310S, R346S.
Identifiers: ClinVar variation 639136 (VCV000639136.12), dbSNP rs544966826, ClinGen allele CA064148.
Genomic context (GRCh38, chr11:32,399,957, plus strand): 5'-AGGAAGAGGCAGTGCGGCCCCCTTCCCGCTGGGGCCTGTCTGTGTGCTCACCTGAATGCC[T>A]CTGAAGACACCGTGCGTGTGTATTCTGTATTGGGCTCCGCAGAGGATGGGCGTTGTGTGG-3'
Protein context (NP_077744.4, residues 358-378): QYRIHTHGVF[Arg368Ser]GIQDVRRVPG

ClinVar aggregate classification (germline): Conflicting classifications of pathogenicity. Review status: criteria provided, conflicting classifications (1 of 4 stars). 4 submissions from 4 submitters: Uncertain significance (1); Benign (1); Likely benign (1). 1 of the submissions does not count toward it. Last evaluated 2026-02-01.

Conditions:
WT1-related disorder. Also called: WT1-related disorders. Identifiers: MedGen CN377814.
Inborn genetic diseases. Identifiers: MedGen C0950123, MeSH D030342.
Drash syndrome (DDS). Also called: WILMS TUMOR AND PSEUDO- OR TRUE HERMAPHRODITISM; NEPHROPATHY, WILMS TUMOR, AND GENITAL ANOMALIES. Identifiers: Orphanet 220, MedGen C0950121, MONDO:0008682, OMIM 194080.
Wilms tumor 1 (WT1). Also called: Wilms tumor, somatic. Identifiers: Orphanet 654, MedGen CN033288, MONDO:0008679, OMIM 194070.
11p partial monosomy syndrome (WAGR). Also called: WAGR Spectrum Disorder; CHROMOSOME 11p13 DELETION SYNDROME; WAGR syndrome; WAGR Complex. Identifiers: Orphanet 893, MedGen C0206115, MONDO:0008681, OMIM 194072.
Frasier syndrome. Identifiers: Orphanet 347, MedGen C0950122, MeSH D052159, MONDO:0007635, OMIM 136680.

Allele frequency attached by ClinVar (database versions not stated): gnomAD exomes below 0.00001 and 0.00004; gnomAD 0.00001 and 0.00002; TOPMed 0.00001; ExAC 0.00003; 1000 Genomes Project 30x 0.00016; 1000 Genomes Project 0.00020.
gnomAD v4.1: 9 of 1,614,158 alleles (0.00056%); highest among the groups gnomAD compares: East Asian, 0.02%; no homozygotes.

Submissions (4):

Labcorp Genetics (formerly Invitae), Labcorp
Classification: Likely benign for Wilms tumor 1; Drash syndrome; 11p partial monosomy syndrome; Frasier syndrome. Last evaluated: 2026-02-01. Review status: criteria provided, single submitter. Criteria: Invitae Variant Classification Sherloc (09022015). Collection method: clinical testing. Allele origin: germline.

Ambry Genetics
Classification: Benign for Inborn genetic diseases. Last evaluated: 2024-09-11. Review status: criteria provided, single submitter. Criteria: Ambry Variant Classification Scheme 2023. Collection method: clinical testing. Allele origin: germline.

PreventionGenetics, part of Exact Sciences
Classification: Uncertain significance for WT1-related condition. Last evaluated: 2023-01-24. Review status: criteria provided, single submitter. Criteria: ACMG Guidelines, 2015. Collection method: clinical testing. Allele origin: germline.
Comment: The WT1 c.1089A>T variant is predicted to result in the amino acid substitution p.Arg363Ser. This variant has been reported in an individual with azoospermia (Seabra CM et al 2014. PubMed ID: 25451826). This variant is reported in 0.055% of alleles in individuals of East Asian descent in gnomAD. At this time, the clinical significance of this variant is uncertain due to the absence of conclusive functional and genetic evidence.

Department of Pathology and Laboratory Medicine, Sinai Health System
Classification: Uncertain significance. Review status: no assertion criteria provided. Collection method: clinical testing. Allele origin: unknown. Affected: yes. Study: The Canadian Open Genetics Repository (COGR). Not counted in ClinVar's aggregate classification.
Comment: The WT1 p.Arg151Ser variant was not identified in the literature nor was it identified in ClinVar, Cosmic, or LOVD 3.0. The variant was identified in dbSNP (ID: rs544966826) and in control databases in 11 of 282804 chromosomes at a frequency of 0.000039 (Genome Aggregation Database Feb 27, 2017). The variant was observed in the East Asian population in 11 of 19952 chromosomes (freq: 0.000551), but was not observed in the African, Latino, Ashkenazi Jewish, European (Finnish), European (non-Finnish), Other or South Asian populations. The p.Arg151 residue is conserved in mammals and computational analyses (PolyPhen-2, SIFT, AlignGVGD, BLOSUM, MutationTaster) provide inconsistent predictions regarding the impact to the protein; this information is not very predictive of pathogenicity. The variant occurs outside of the splicing consensus sequence and only two of four in silico or computational prediction software programs (SpliceSiteFinder, MaxEntScan, NNSPLICE, GeneSplicer) predict a greater than 10% difference in splicing. In summary, based on the above information the clinical significance of this variant cannot be determined with certainty at this time. This variant is classified as a variant of uncertain significance.